The following is an entry in ClinVar:

NM_001370466.1(NOD2):c.1950C>G (p.Phe650Leu)

Gene: NOD2 (nucleotide binding oligomerization domain containing 2; plus strand). Cytogenetic location: 16q12.1.
Variant type: single nucleotide variant.
Coding change: c.1950C>G on transcript NM_001370466.1 (MANE Select); coding-DNA position 1950, C replaced by G.
Protein change: p.Phe650Leu; replaces phenylalanine 650 with leucine.
Molecular consequence: missense variant. On other transcripts: non-coding transcript variant (1).
Genome position (GRCh38, 1-based): chr16:50,711,942, C>G. VCF-style: chr16-50711942-C-G. GRCh37 (hg19) VCF-style: chr16-50745853-C-G.
Other names: c.1950C>G, p.Phe650Leu (NM_001293557.2); c.2031C>G, p.Phe677Leu (NM_022162.3); short protein forms F650L, F677L.
Identifiers: ClinVar variation 1413813 (VCV001413813.11), dbSNP rs374116563, ClinGen allele CA8051676.

ClinVar aggregate classification (germline): Uncertain significance. Review status: criteria provided, multiple submitters, no conflicts (2 of 4 stars). 2 submissions from 2 submitters: Uncertain significance (2). Last evaluated 2025-11-04.

Conditions:
Regional enteritis. Also called: Enteritis, Granulomatous. Identifiers: MedGen C0678202, MeSH D003424.
Blau syndrome (BLAUS). Also called: ARTHROCUTANEOUVEAL GRANULOMATOSIS; JABS SYNDROME; GRANULOMATOSIS, FAMILIAL JUVENILE SYSTEMIC; GRANULOMATOSIS, FAMILIAL, BLAU TYPE; GRANULOMATOUS INFLAMMATORY ARTHRITIS, DERMATITIS, AND UVEITIS, FAMILIAL. Identifiers: Orphanet 90340, MedGen C5201146, MONDO:0008523, OMIM 186580.
Autoinflammatory syndrome. Identifiers: Orphanet 93665, MedGen C3890737, MONDO:0019751.

Allele frequency attached by ClinVar (database versions not stated): TOPMed 0.00002; ExAC 0.00004; gnomAD exomes 0.00004; ESP Exome Variant Server 0.00008.
gnomAD v4.1: 47 of 1,612,082 alleles (0.0029%); highest among the groups gnomAD compares: African/African-American, 0.0067%; no homozygotes.

Submissions (2):

Labcorp Genetics (formerly Invitae), Labcorp
Classification: Uncertain significance for Regional enteritis; Blau syndrome. Last evaluated: 2025-11-04. Review status: criteria provided, single submitter. Criteria: Invitae Variant Classification Sherloc (09022015). Collection method: clinical testing. Allele origin: germline.
Comment: This sequence change replaces phenylalanine, which is neutral and non-polar, with leucine, which is neutral and non-polar, at codon 677 of the NOD2 protein (p.Phe677Leu). This variant is present in population databases (rs374116563, gnomAD 0.006%). This variant has not been reported in the literature in individuals affected with NOD2-related conditions. ClinVar contains an entry for this variant (Variation ID: 1413813). Invitae Evidence Modeling of protein sequence and biophysical properties (such as structural, functional, and spatial information, amino acid conservation, physicochemical variation, residue mobility, and thermodynamic stability) has been performed for this missense variant. However, the output from this modeling did not meet the statistical confidence thresholds required to predict the impact of this variant on NOD2 protein function. In summary, the available evidence is currently insufficient to determine the role of this variant in disease. Therefore, it has been classified as a Variant of Uncertain Significance.

Genome Diagnostics Laboratory, The Hospital for Sick Children
Classification: Uncertain significance for Autoinflammatory syndrome. Last evaluated: 2021-12-23. Review status: criteria provided, single submitter. Criteria: ACMG Guidelines, 2015. Collection method: clinical testing. Allele origin: germline. Affected: yes.